The following is an entry in ClinVar:

ClinVar aggregate classification (germline): Likely benign. Review status: criteria provided, multiple submitters, no conflicts (2 of 4 stars). 2 submissions from 2 submitters: Likely benign (2). Last evaluated 2026-09-01.

gnomAD v4.1: 34 of 1,614,228 alleles (0.0021%); highest among the groups gnomAD compares: Admixed American, 0.01%; no homozygotes.

Submissions (2):

CeGaT Center for Human Genetics Tuebingen
Classification: Likely benign. Last evaluated: 2026-09-01. Review status: criteria provided, single submitter. Criteria: CeGaT Center For Human Genetics Tuebingen Variant Classification Criteria Version 2. Collection method: clinical testing. Allele origin: germline. Affected: yes. Observed: 1 variant allele.
Comment: ZNF462: BP4, BP7

Blueprint Genetics
Classification: Likely benign. Last evaluated: 2021-03-11. Review status: criteria provided, single submitter. Criteria: ACMG Guidelines, 2015. Collection method: clinical testing. Allele origin: germline.

NM_021224.6(ZNF462):c.6486T>C (p.Ala2162=)

Gene: ZNF462 (zinc finger protein 462; plus strand). Cytogenetic location: 9q31.2.
Variant type: single nucleotide variant.
Coding change: c.6486T>C on transcript NM_021224.6 (MANE Select); coding-DNA position 6486, T replaced by C.
Protein change: p.Ala2162=; no amino-acid change (alanine 2162 retained).
Molecular consequence: synonymous variant.
Genome position (GRCh38, 1-based): chr9:106,972,063, T>C. VCF-style: chr9-106972063-T-C. GRCh37 (hg19) VCF-style: chr9-109734344-T-C.
Other names: c.3891T>C, p.Ala1297= (NM_001347997.2).
Identifiers: ClinVar variation 4904050 (VCV004904050.2).
Genomic context (GRCh38, chr9:106,972,063, plus strand): 5'-AGACTCATCATATTCAGAGCCCCCAGATGTTCAGCAGCAGTTGAACCACTATCAGTCAGC[T>C]GCCCTGGCAAGGAACAACAGCCGTGTTAGCCCTGTGCCTCTTTCTGGGGCTGCTGCTGGC-3'
Protein context (NP_067047.4, residues 2152-2172): VQQQLNHYQS[Ala2162=]ALARNNSRVS